The following is an entry in ClinVar:

ClinVar aggregate classification (germline): Uncertain significance (1 of 4 stars; one submission).

Conditions:
Chédiak-Higashi syndrome (CHS). Also called: Chediak-Higashi Syndrome. Identifiers: Orphanet 167, MedGen C0007965, MONDO:0008963, OMIM 214500.

Submission:

Labcorp Genetics (formerly Invitae), Labcorp
Classification: Uncertain significance for Chédiak-Higashi syndrome. Last evaluated: 2021-08-28. Review status: criteria provided, single submitter. Criteria: Invitae Variant Classification Sherloc (09022015). Collection method: clinical testing. Allele origin: germline.
Comment: This sequence change replaces lysine with asparagine at codon 1495 of the LYST protein (p.Lys1495Asn). The lysine residue is moderately conserved and there is a moderate physicochemical difference between lysine and asparagine. This variant is not present in population databases (ExAC no frequency). This variant has not been reported in the literature in individuals affected with LYST-related conditions. Algorithms developed to predict the effect of missense changes on protein structure and function are either unavailable or do not agree on the potential impact of this missense change (SIFT: "Deleterious"; PolyPhen-2: "Benign"; Align-GVGD: "Class C0"). In summary, the available evidence is currently insufficient to determine the role of this variant in disease. Therefore, it has been classified as a Variant of Uncertain Significance.

NM_000081.4(LYST):c.4485G>C (p.Lys1495Asn)

Gene: LYST (lysosomal trafficking regulator; minus strand). Cytogenetic location: 1q42.3.
Variant type: single nucleotide variant.
Coding change: c.4485G>C on transcript NM_000081.4 (MANE Select); coding-DNA position 4485, G replaced by C.
Protein change: p.Lys1495Asn; replaces lysine 1495 with asparagine.
Molecular consequence: missense variant.
Genome position (GRCh38, 1-based): chr1:235,791,757, C>G on the plus strand (G>C on the coding strand, the complement: LYST is on the minus strand). VCF-style: chr1-235791757-C-G. GRCh37 (hg19) VCF-style: chr1-235955057-C-G.
Other names: c.4485G>C, p.Lys1495Asn (NM_001301365.1); short protein forms K1495N.
Identifiers: ClinVar variation 1524537 (VCV001524537.5), dbSNP rs2526907350, ClinGen allele CA344959237.